The following is an entry in ClinVar:

ClinVar aggregate classification (germline): Likely pathogenic (1 of 4 stars; one submission).

Conditions:
Nephronophthisis. Also called: Juvenile Nephronophthisis. Identifiers: Orphanet 655, MedGen C0687120, MONDO:0019005, HP:0000090.

Allele frequency attached by ClinVar (database versions not stated): gnomAD exomes below 0.00001.
gnomAD v4.1: 3 of 1,550,190 alleles (0.00019%); highest among the groups gnomAD compares: Non-Finnish European, 0.00026%; no homozygotes.

Submission:

Labcorp Genetics (formerly Invitae), Labcorp
Classification: Likely pathogenic for Nephronophthisis. Last evaluated: 2024-04-17. Review status: criteria provided, single submitter. Criteria: Invitae Variant Classification Sherloc (09022015). Collection method: clinical testing. Allele origin: germline.
Comment: This sequence change affects a donor splice site in intron 20 of the NPHP4 gene. It is expected to disrupt RNA splicing. Variants that disrupt the donor or acceptor splice site typically lead to a loss of protein function (PMID: 16199547), and loss-of-function variants in NPHP4 are known to be pathogenic (PMID: 12205563, 23559409). This variant is not present in population databases (gnomAD no frequency). This variant has not been reported in the literature in individuals affected with NPHP4-related conditions. ClinVar contains an entry for this variant (Variation ID: 2023001). Algorithms developed to predict the effect of sequence changes on RNA splicing suggest that this variant may disrupt the consensus splice site. In summary, the currently available evidence indicates that the variant is pathogenic, but additional data are needed to prove that conclusively. Therefore, this variant has been classified as Likely Pathogenic.

Literature cited by the submitters: PubMed 16199547; PubMed 12205563; PubMed 23559409.

NM_015102.5(NPHP4):c.2817+1G>A

Gene: NPHP4 (nephrocystin 4; minus strand). Cytogenetic location: 1p36.31.
Variant type: single nucleotide variant.
Coding change: c.2817+1G>A on transcript NM_015102.5 (MANE Select); the canonical splice donor site of the intron after coding-DNA position 2817, G replaced by A.
Molecular consequence: splice donor variant.
Genome position (GRCh38, 1-based): chr1:5,877,092, C>T on the plus strand (G>A on the coding strand, the complement: NPHP4 is on the minus strand). VCF-style: chr1-5877092-C-T. GRCh37 (hg19) VCF-style: chr1-5937152-C-T.
Other names: c.1281+1G>A (NM_001291594.2); c.1278+1G>A (NM_001291593.2).
Identifiers: ClinVar variation 2023001 (VCV002023001.4), dbSNP rs1642683882, ClinGen allele CA338057163.